The following is an entry in ClinVar:

ClinVar aggregate classification (germline): Pathogenic. Review status: criteria provided, multiple submitters, no conflicts (2 of 4 stars). 4 submissions from 4 submitters: Pathogenic (4). Last evaluated 2025-02-16.

Conditions:
Osteogenesis imperfecta type I (OI1). Also called: Lobstein disease; Classic Non-deforming Osteogenesis Imperfecta with Blue Sclerae; OI, TYPE I; OSTEOGENESIS IMPERFECTA TARDA; OSTEOGENESIS IMPERFECTA WITH BLUE SCLERAE; Osteogenesis imperfecta type 1. Identifiers: Orphanet 216796, Orphanet 666, MedGen C0023931, MONDO:0008146, OMIM 166200. Disease mechanism: loss of function.

gnomAD v4.1: 1 of 1,614,222 alleles (0.000062%); no homozygotes.

Submissions (4):

Laboratory of Genetics, Children's Clinical University Hospital Latvia
Classification: Pathogenic. Last evaluated: 2025-02-16. Review status: criteria provided, single submitter. Criteria: ACMG Guidelines, 2015. Collection method: clinical testing. Allele origin: germline. Affected: yes.

Revvity Omics, Revvity
Classification: Pathogenic. Last evaluated: 2023-11-03. Review status: criteria provided, single submitter. Criteria: ACMG Guidelines, 2015. Collection method: clinical testing. Allele origin: germline.

Labcorp Genetics (formerly Invitae), Labcorp
Classification: Pathogenic for Osteogenesis imperfecta type I. Last evaluated: 2022-06-27. Review status: criteria provided, single submitter. Criteria: Invitae Variant Classification Sherloc (09022015). Collection method: clinical testing. Allele origin: germline.
Comment: This variant is not present in population databases (gnomAD no frequency). For these reasons, this variant has been classified as Pathogenic. This variant disrupts the triple helix domain of COL1A1. Glycine residues within the Gly-Xaa-Yaa repeats of the triple helix domain are required for the structure and stability of fibrillar collagens (PMID: 7695699, 8218237, 19344236). In COL1A1, variants affecting these glycine residues are significantly enriched in individuals with disease (PMID: 9016532, 17078022) compared to the general population (ExAC). Algorithms developed to predict the effect of sequence changes on RNA splicing suggest that this variant may create or strengthen a splice site. Advanced modeling of protein sequence and biophysical properties (such as structural, functional, and spatial information, amino acid conservation, physicochemical variation, residue mobility, and thermodynamic stability) performed at Invitae indicates that this missense variant is expected to disrupt COL1A1 protein function. This missense change has been observed in individual(s) with osteogenesis imperfecta (Invitae). This sequence change replaces glycine, which is neutral and non-polar, with arginine, which is basic and polar, at codon 641 of the COL1A1 protein (p.Gly641Arg).

GeneDx
Classification: Pathogenic. Last evaluated: 2022-05-09. Review status: criteria provided, single submitter. Criteria: GeneDx Variant Classification Process June 2021. Collection method: clinical testing. Allele origin: germline. Affected: yes.
Comment: Occurs in the triple helical domain and replaces a glycine in a canonical Gly-X-Y repeat; missense substitution of a canonical glycine residue is expected to disrupt normal protein folding and function, and this is an established mechanism of disease (Jovanovic et al., 2021); Not observed at significant frequency in large population cohorts (gnomAD); In silico analysis supports that this missense variant has a deleterious effect on protein structure/function; This variant is associated with the following publications: (PMID: 34007986, 33777089)

Literature cited by the submitters: PubMed 7695699 (cited by Labcorp Genetics (formerly Invitae), Labcorp); PubMed 8218237 (cited by Labcorp Genetics (formerly Invitae), Labcorp); PubMed 19344236 (cited by Labcorp Genetics (formerly Invitae), Labcorp); PubMed 9016532 (cited by Labcorp Genetics (formerly Invitae), Labcorp); PubMed 17078022 (cited by Labcorp Genetics (formerly Invitae), Labcorp).

NM_000088.4(COL1A1):c.1921G>A (p.Gly641Arg)

Gene: COL1A1 (collagen type I alpha 1 chain; minus strand). Cytogenetic location: 17q21.33.
Variant type: single nucleotide variant.
Coding change: c.1921G>A on transcript NM_000088.4 (MANE Select); coding-DNA position 1921, G replaced by A.
Protein change: p.Gly641Arg; replaces glycine 641 with arginine.
Molecular consequence: missense variant.
Genome position (GRCh38, 1-based): chr17:50,192,648, C>T on the plus strand (G>A on the coding strand, the complement: COL1A1 is on the minus strand). VCF-style: chr17-50192648-C-T. GRCh37 (hg19) VCF-style: chr17-48270009-C-T.
Other names: short protein forms G641R.
Identifiers: ClinVar variation 1457442 (VCV001457442.10), dbSNP rs2144563717, ClinGen allele CA400213663.